The following is an entry in ClinVar:

ClinVar aggregate classification (germline): Uncertain significance (1 of 4 stars; one submission).

Conditions:
Hereditary cancer-predisposing syndrome. Also called: Neoplastic Syndromes, Hereditary; Hereditary neoplastic syndrome; Tumor predisposition; Hereditary Cancer Syndrome. Identifiers: Orphanet 140162, MedGen C0027672, MeSH D009386, MONDO:0015356.

Submission:

Ambry Genetics
Classification: Uncertain significance for Hereditary cancer-predisposing syndrome. Last evaluated: 2023-03-03. Review status: criteria provided, single submitter. Criteria: Ambry Variant Classification Scheme 2023. Collection method: clinical testing. Allele origin: germline.
Comment: The p.E299K variant (also known as c.895G>A), located in coding exon 6 of the ATM gene, results from a G to A substitution at nucleotide position 895. The glutamic acid at codon 299 is replaced by lysine, an amino acid with similar properties. This amino acid position is not well conserved in available vertebrate species. In addition, the in silico prediction for this alteration is inconclusive. Since supporting evidence is limited at this time, the clinical significance of this alteration remains unclear.

NM_000051.4(ATM):c.895G>A (p.Glu299Lys)

Gene: ATM (ATM serine/threonine kinase; plus strand). Cytogenetic location: 11q22.3.
Variant type: single nucleotide variant.
Coding change: c.895G>A on transcript NM_000051.4 (MANE Select); coding-DNA position 895, G replaced by A.
Protein change: p.Glu299Lys; replaces glutamic acid 299 with lysine.
Molecular consequence: missense variant.
Genome position (GRCh38, 1-based): chr11:108,245,020, G>A. VCF-style: chr11-108245020-G-A. GRCh37 (hg19) VCF-style: chr11-108115747-G-A.
Other names: c.895G>A, p.Glu299Lys (NM_001351834.2); short protein forms E299K.
Identifiers: ClinVar variation 2453980 (VCV002453980.2), dbSNP rs1273332798, ClinGen allele CA382529629.
Genomic context (GRCh38, chr11:108,245,020, plus strand): 5'-ATTATTGAATTATTTCAACTGCAAATTTATATCCATCATCCGAAAGGAGCCAAAACCCAA[G>A]AAAAAGGTATAAAGGAAATGTTTACTGTTTTGAATTTGCTTCTTCATTCAAACATAGAAG-3'
Protein context (NP_000042.3, residues 289-309): IHHPKGAKTQ[Glu299Lys]KGAYESTKWR